The following is an entry in ClinVar:

NM_017654.4(SAMD9):c.340C>G (p.Gln114Glu)

Gene: SAMD9 (sterile alpha motif domain containing 9; minus strand). Cytogenetic location: 7q21.2.
Variant type: single nucleotide variant.
Coding change: c.340C>G on transcript NM_017654.4 (MANE Select); coding-DNA position 340, C replaced by G.
Protein change: p.Gln114Glu; replaces glutamine 114 with glutamic acid.
Molecular consequence: missense variant.
Genome position (GRCh38, 1-based): chr7:93,105,758, G>C on the plus strand (C>G on the coding strand, the complement: SAMD9 is on the minus strand). VCF-style: chr7-93105758-G-C. GRCh37 (hg19) VCF-style: chr7-92735071-G-C.
Other names: c.340C>G, p.Gln114Glu (NM_001193307.2); short protein forms Q114E.
Identifiers: ClinVar variation 3949572 (VCV003949572.1).

ClinVar aggregate classification (germline): Uncertain significance (1 of 4 stars; one submission).

Conditions:
Inborn genetic diseases. Identifiers: MedGen C0950123, MeSH D030342.

Submission:

Ambry Genetics
Classification: Uncertain significance for Inborn genetic diseases. Last evaluated: 2025-04-19. Review status: criteria provided, single submitter. Criteria: Ambry Variant Classification Scheme 2023. Collection method: clinical testing. Allele origin: germline.
Comment: The p.Q114E variant (also known as c.340C>G), located in coding exon 1 of the SAMD9 gene, results from a C to G substitution at nucleotide position 340. The glutamine at codon 114 is replaced by glutamic acid, an amino acid with highly similar properties. This amino acid position is conserved. In addition, this alteration is predicted to be tolerated by in silico analysis. Based on the available evidence, the clinical significance of this variant remains unclear.